The following is an entry in ClinVar:

NM_000051.4(ATM):c.4873A>G (p.Lys1625Glu)

Gene: ATM (ATM serine/threonine kinase; plus strand). Cytogenetic location: 11q22.3.
Variant type: single nucleotide variant.
Coding change: c.4873A>G on transcript NM_000051.4 (MANE Select); coding-DNA position 4873, A replaced by G.
Protein change: p.Lys1625Glu; replaces lysine 1625 with glutamic acid.
Molecular consequence: missense variant.
Genome position (GRCh38, 1-based): chr11:108,295,023, A>G. VCF-style: chr11-108295023-A-G. GRCh37 (hg19) VCF-style: chr11-108165750-A-G.
Other names: c.4873A>G, p.Lys1625Glu (NM_001351834.2); short protein forms K1625E.
Identifiers: ClinVar variation 407708 (VCV000407708.17), dbSNP rs1060501693, ClinGen allele CA16613148.

ClinVar aggregate classification (germline): Uncertain significance. Review status: criteria provided, multiple submitters, no conflicts (2 of 4 stars). 4 submissions from 4 submitters: Uncertain significance (4). Last evaluated 2025-03-10.

Conditions:
Ataxia-telangiectasia syndrome (AT). Also called: Ataxia telangiectasia (A-T); LOUIS-BAR SYNDROME; Cerebello-oculocutaneous telangiectasia; Immunodeficiency with ataxia telangiectasia; Ataxia-telangiectasia, complementation group D; AT, COMPLEMENTATION GROUP C. Identifiers: Orphanet 100, MedGen C0004135, MONDO:0008840, OMIM 208900.
Hereditary cancer-predisposing syndrome. Also called: Hereditary neoplastic syndrome; Neoplastic Syndromes, Hereditary; Tumor predisposition; Hereditary Cancer Syndrome. Identifiers: Orphanet 140162, MedGen C0027672, MeSH D009386, MONDO:0015356.
Familial cancer of breast. Also called: Hereditary breast cancer; hereditary breast carcinoma; BREAST CANCER, FAMILIAL. Identifiers: Orphanet 227535, MedGen C0346153, MONDO:0016419, OMIM 114480. Disease mechanism: loss of function.

Submissions (4):

Labcorp Genetics (formerly Invitae), Labcorp
Classification: Uncertain significance for Ataxia-telangiectasia syndrome. Last evaluated: 2025-03-10. Review status: criteria provided, single submitter. Criteria: Invitae Variant Classification Sherloc (09022015). Collection method: clinical testing. Allele origin: germline.
Comment: This sequence change replaces lysine, which is basic and polar, with glutamic acid, which is acidic and polar, at codon 1625 of the ATM protein (p.Lys1625Glu). This variant is not present in population databases (gnomAD no frequency). This variant has not been reported in the literature in individuals affected with ATM-related conditions. ClinVar contains an entry for this variant (Variation ID: 407708). Invitae Evidence Modeling of protein sequence and biophysical properties (such as structural, functional, and spatial information, amino acid conservation, physicochemical variation, residue mobility, and thermodynamic stability) has been performed for this missense variant. However, the output from this modeling did not meet the statistical confidence thresholds required to predict the impact of this variant on ATM protein function. In summary, the available evidence is currently insufficient to determine the role of this variant in disease. Therefore, it has been classified as a Variant of Uncertain Significance.

Ambry Genetics
Classification: Uncertain significance for Hereditary cancer-predisposing syndrome. Last evaluated: 2024-12-05. Review status: criteria provided, single submitter. Criteria: Ambry Variant Classification Scheme 2023. Collection method: clinical testing. Allele origin: germline.
Comment: The p.K1625E variant (also known as c.4873A>G), located in coding exon 31 of the ATM gene, results from an A to G substitution at nucleotide position 4873. The lysine at codon 1625 is replaced by glutamic acid, an amino acid with similar properties. This variant was reported in 1/5589 German breast cancer patients, who were negative for BRCA1/2 mutations (Hauke J et al. Cancer Med. 2018 Apr;7:1349-1358). This amino acid position is highly conserved in available vertebrate species. In addition, this alteration is predicted to be deleterious by in silico analysis. Based on the available evidence, the clinical significance of this variant remains unclear.

GeneDx
Classification: Uncertain significance. Last evaluated: 2023-11-02. Review status: criteria provided, single submitter. Criteria: GeneDx Variant Classification Process June 2021. Collection method: clinical testing. Allele origin: germline. Affected: yes.
Comment: Not observed at significant frequency in large population cohorts (gnomAD); In silico analysis supports that this missense variant has a deleterious effect on protein structure/function; Identified in an individual with breast cancer for whom previous BRCA1/2 analysis was negative (PMID: 29522266); This variant is associated with the following publications: (PMID: 29522266)

Baylor Genetics
Classification: Uncertain significance for Familial cancer of breast. Last evaluated: 2023-06-05. Review status: criteria provided, single submitter. Criteria: ACMG Guidelines, 2015. Collection method: clinical testing. Allele origin: unknown.

Literature cited by the submitters: PubMed 29522266 (cited by Ambry Genetics).